The following is an entry in ClinVar:

ClinVar aggregate classification (germline): Pathogenic (1 of 4 stars; one submission).

Submission:

Labcorp Genetics (formerly Invitae), Labcorp
Classification: Pathogenic. Last evaluated: 2023-09-28. Review status: criteria provided, single submitter. Criteria: Invitae Variant Classification Sherloc (09022015). Collection method: clinical testing. Allele origin: germline.
Comment: For these reasons, this variant has been classified as Pathogenic. This variant has not been reported in the literature in individuals affected with CYP11B2-related conditions. This variant is not present in population databases (gnomAD no frequency). This sequence change creates a premature translational stop signal (p.Pro216Leufs*45) in the CYP11B2 gene. It is expected to result in an absent or disrupted protein product. Loss-of-function variants in CYP11B2 are known to be pathogenic (PMID: 20494601, 22801770, 26936515).

Literature cited by the submitters: PubMed 20494601; PubMed 22801770; PubMed 26936515.

NM_000498.3(CYP11B2):c.646_647insTGAGGCC (p.Pro216fs)

Genes: CYP11B2 (cytochrome P450 family 11 subfamily B member 2; minus strand), LOC106799834 (CYP11B2 recombination region; plus strand). Cytogenetic location: 8q24.3.
Variant type: Insertion.
Coding change: c.646_647insTGAGGCC on transcript NM_000498.3 (MANE Select); coding-DNA positions 646 to 647, TGAGGCC inserted.
Protein change: p.Pro216fs; shifts the reading frame from proline 216.
Molecular consequence: frameshift variant.
Genome position: GRCh38 VCF-style: chr8-142914857-G-GGGCCTCA. GRCh37 (hg19) VCF-style: chr8-143996273-G-GGGCCTCA.
Other names: short protein forms P216fs.
Identifiers: ClinVar variation 2764073 (VCV002764073.3), dbSNP rs2488700501, ClinGen allele CA2688873542.